The following is an entry in ClinVar:

ClinVar aggregate classification (germline): Uncertain significance (1 of 4 stars; one submission).

gnomAD v4.1: 3 of 1,613,152 alleles (0.00019%); highest among the groups gnomAD compares: Non-Finnish European, 0.00025%; no homozygotes.

Submission:

GeneDx
Classification: Uncertain significance. Last evaluated: 2024-07-17. Review status: criteria provided, single submitter. Criteria: GeneDx Variant Classification Process June 2021. Collection method: clinical testing. Allele origin: germline. Affected: yes.
Comment: Not observed at significant frequency in large population cohorts (gnomAD); Missense variant in a gene in which most reported pathogenic variants are truncating/loss of function; Has not been previously published as pathogenic or benign to our knowledge

NM_001267550.2(TTN):c.56852C>A (p.Thr18951Asn)

Genes: TTN (titin; minus strand), TTN-AS1 (TTN antisense RNA 1; plus strand). Cytogenetic location: 2q31.2.
Variant type: single nucleotide variant.
Coding change: c.56852C>A on transcript NM_001267550.2 (MANE Select); coding-DNA position 56852, C replaced by A.
Protein change: p.Thr18951Asn; replaces threonine 18951 with asparagine.
Molecular consequence: missense variant.
Genome position (GRCh38, 1-based): chr2:178,598,858, G>T on the plus strand (C>A on the coding strand, the complement: TTN is on the minus strand). VCF-style: chr2-178598858-G-T. GRCh37 (hg19) VCF-style: chr2-179463585-G-T.
Other names: c.51929C>A, p.Thr17310Asn (NM_001256850.1); c.29657C>A, p.Thr9886Asn (NM_003319.4); c.49148C>A, p.Thr16383Asn (NM_133378.4); c.30032C>A, p.Thr10011Asn (NM_133432.3); c.30233C>A, p.Thr10078Asn (NM_133437.4); short protein forms T10011N, T10078N, T16383N, T17310N, T18951N, T9886N.
Identifiers: ClinVar variation 3573776 (VCV003573776.1).